The following is an entry in ClinVar:

ClinVar aggregate classification (germline): Conflicting classifications of pathogenicity. Review status: criteria provided, conflicting classifications (1 of 4 stars). 11 submissions from 7 submitters: Uncertain significance (3); Benign (2); Likely benign (5). 1 of the submissions does not count toward it. Last evaluated 2025-11-04.

Conditions:
Early-onset myopathy with fatal cardiomyopathy (CMYO5). Also called: CONGENITAL MYOPATHY 5 WITH CARDIOMYOPATHY; Salih Myopathy. Identifiers: Orphanet 289377, MedGen C2673677, MONDO:0012714, OMIM 611705. Disease mechanism: loss of function.
Autosomal recessive limb-girdle muscular dystrophy type 2J (LGMDR10). Also called: MUSCULAR DYSTROPHY, LIMB-GIRDLE, AUTOSOMAL RECESSIVE 10; Limb-girdle muscular dystrophy, type 2J. Identifiers: Orphanet 140922, MedGen C1837342, MONDO:0012127, OMIM 608807.
Cardiovascular phenotype. Identifiers: MedGen CN230736.
Cardiomyopathy (CMYO). Also called: Cardiomyopathies. Identifiers: Orphanet 167848, MedGen C0878544, MONDO:0004994, HP:0001638. Inheritance: Various modes of inheritance.
Myopathy, myofibrillar, 9, with early respiratory failure (MFM9). Also called: Myopathy, distal, with early respiratory failure, autosomal dominant; EDSTROM MYOPATHY; Hereditary myopathy with early respiratory failure; MYOPATHY, PROXIMAL, WITH EARLY RESPIRATORY MUSCLE INVOLVEMENT. Identifiers: Orphanet 178464, Orphanet 34521, MedGen C1863599, MONDO:0011362, OMIM 603689.
Tibial muscular dystrophy (TMD). Also called: Udd Distal Myopathy – Tibial Muscular Dystrophy; UDD MYOPATHY; Tibial muscular dystrophy, tardive. Identifiers: Orphanet 609, MedGen C1838244, MONDO:0010870, OMIM 600334.
Dilated cardiomyopathy 1G (CMD1G). Identifiers: Orphanet 154, MedGen C1858763, MONDO:0011400, OMIM 604145.
TTN-related disorder. Also called: TTN-related condition; TTN-related disease; TTN-related disorders.

Allele frequency attached by ClinVar (database versions not stated): gnomAD exomes 0.00001 and 0.00003; ExAC 0.00002; gnomAD 0.00004 and 0.00005; TOPMed 0.00004.
gnomAD v4.1: 27 of 1,612,686 alleles (0.0017%); highest among the groups gnomAD compares: East Asian, 0.034%; no homozygotes.

Submissions (11):

Ambry Genetics
Classification: Likely benign for Cardiovascular phenotype. Last evaluated: 2025-11-04. Review status: criteria provided, single submitter. Criteria: Ambry Variant Classification Scheme 2023. Collection method: clinical testing. Allele origin: germline.

Labcorp Genetics (formerly Invitae), Labcorp
Classification: Likely benign for Dilated cardiomyopathy 1G; Autosomal recessive limb-girdle muscular dystrophy type 2J. Last evaluated: 2024-11-16. Review status: criteria provided, single submitter. Criteria: Invitae Variant Classification Sherloc (09022015). Collection method: clinical testing. Allele origin: germline.

Blueprint Genetics
Classification: Likely benign. Last evaluated: 2024-11-05. Review status: criteria provided, single submitter. Criteria: ACMG Guidelines, 2015. Collection method: clinical testing. Allele origin: germline.

CeGaT Center for Human Genetics Tuebingen
Classification: Likely benign. Last evaluated: 2022-10-01. Review status: criteria provided, single submitter. Criteria: CeGaT Center For Human Genetics Tuebingen Variant Classification Criteria Version 2. Collection method: clinical testing. Allele origin: germline. Affected: yes. Observed: 1 variant allele.
Comment: TTN: BP4, BP7

Illumina Laboratory Services, Illumina
Classification: Uncertain significance for Autosomal recessive limb-girdle muscular dystrophy type 2J. Last evaluated: 2018-01-13. Review status: criteria provided, single submitter. Criteria: ICSL Variant Classification Criteria 13 December 2019. Collection method: clinical testing. Allele origin: germline.

Illumina Laboratory Services, Illumina
Classification: Uncertain significance for Dilated cardiomyopathy 1G. Last evaluated: 2018-01-13. Review status: criteria provided, single submitter. Criteria: ICSL Variant Classification Criteria 13 December 2019. Collection method: clinical testing. Allele origin: germline.

Illumina Laboratory Services, Illumina
Classification: Benign for Myopathy, myofibrillar, 9, with early respiratory failure. Last evaluated: 2018-01-13. Review status: criteria provided, single submitter. Criteria: ICSL Variant Classification Criteria 13 December 2019. Collection method: clinical testing. Allele origin: germline.
Comment: This variant was observed in the ICSL laboratory as part of a predisposition screen in an ostensibly healthy population. It had not been previously curated by ICSL or reported in the Human Gene Mutation Database (HGMD: prior to June 1st, 2018), and was therefore a candidate for classification through an automated scoring system. Utilizing variant allele frequency, disease prevalence and penetrance estimates, and inheritance mode, an automated score was calculated to assess if this variant is too frequent to cause the disease. Based on the score and internal cut-off values, a variant classified as benign is not then subjected to further curation. The score for this variant resulted in a classification of benign for this disease.

Illumina Laboratory Services, Illumina
Classification: Benign for Tibial muscular dystrophy. Last evaluated: 2018-01-13. Review status: criteria provided, single submitter. Criteria: ICSL Variant Classification Criteria 13 December 2019. Collection method: clinical testing. Allele origin: germline.
Comment: the same text as in the submission from Illumina Laboratory Services, Illumina above.

Illumina Laboratory Services, Illumina
Classification: Uncertain significance for Early-onset myopathy with fatal cardiomyopathy. Last evaluated: 2018-01-13. Review status: criteria provided, single submitter. Criteria: ICSL Variant Classification Criteria 13 December 2019. Collection method: clinical testing. Allele origin: germline.

CHEO Genetics Diagnostic Laboratory, Children's Hospital of Eastern Ontario
Classification: Likely benign for Cardiomyopathy. Last evaluated: 2016-04-01. Review status: criteria provided, single submitter. Criteria: ACMG Guidelines, 2015. Collection method: clinical testing. Allele origin: germline. Study: Canadian Open Genetics Repository.

PreventionGenetics, part of Exact Sciences
Classification: Likely benign for TTN-related condition. Last evaluated: 2023-11-22. Review status: no assertion criteria provided. Collection method: clinical testing. Allele origin: germline. Not counted in ClinVar's aggregate classification.
Comment: This variant is classified as likely benign based on ACMG/AMP sequence variant interpretation guidelines (Richards et al. 2015 PMID: 25741868, with internal and published modifications).

NM_001267550.2(TTN):c.44691G>A (p.Lys14897=)

Gene: TTN (titin; minus strand). Cytogenetic location: 2q31.2.
Variant type: single nucleotide variant.
Coding change: c.44691G>A on transcript NM_001267550.2 (MANE Select); coding-DNA position 44691, G replaced by A.
Protein change: p.Lys14897=; no amino-acid change (lysine 14897 retained).
Molecular consequence: synonymous variant.
Genome position (GRCh38, 1-based): chr2:178,624,589, C>T on the plus strand (G>A on the coding strand, the complement: TTN is on the minus strand). VCF-style: chr2-178624589-C-T. GRCh37 (hg19) VCF-style: chr2-179489316-C-T.
Other names: c.39768G>A, p.Lys13256= (NM_001256850.1); c.17496G>A, p.Lys5832= (NM_003319.4); c.36987G>A, p.Lys12329= (NM_133378.4); c.17871G>A, p.Lys5957= (NM_133432.3); c.18072G>A, p.Lys6024= (NM_133437.4).
Identifiers: ClinVar variation 332866 (VCV000332866.45), dbSNP rs755769210, ClinGen allele CA1995592.